The following is an entry in ClinVar:

NM_001323289.2(CDKL5):c.416A>C (p.Glu139Ala)

Gene: CDKL5 (cyclin dependent kinase like 5; plus strand). Cytogenetic location: Xp22.13.
Variant type: single nucleotide variant.
Coding change: c.416A>C on transcript NM_001323289.2 (MANE Select); coding-DNA position 416, A replaced by C.
Protein change: p.Glu139Ala; replaces glutamic acid 139 with alanine.
Molecular consequence: missense variant.
Genome position (GRCh38, 1-based): chrX:18,581,903, A>C. VCF-style: chrX-18581903-A-C. GRCh37 (hg19) VCF-style: chrX-18600023-A-C.
Other names: c.416A>C, p.Glu139Ala (NM_001037343.2, NM_003159.3); short protein forms E139A.
Identifiers: ClinVar variation 2942583 (VCV002942583.3), dbSNP rs2518851314, ClinGen allele CA412350774.

ClinVar aggregate classification (germline): Pathogenic (1 of 4 stars; one submission).

Conditions:
Developmental and epileptic encephalopathy, 2 (DEE2). Also called: INFANTILE SPASM SYNDROME, X-LINKED 2; CDKL5 deficiency disorder. Identifiers: Orphanet 1934, Orphanet 3451, Orphanet 505652, MedGen C4750718, MONDO:0010396, OMIM 300672.
Angelman syndrome-like. Identifiers: MedGen CN128785.

Submission:

Labcorp Genetics (formerly Invitae), Labcorp
Classification: Pathogenic for Developmental and epileptic encephalopathy, 2; Angelman syndrome-like. Last evaluated: 2023-09-27. Review status: criteria provided, single submitter. Criteria: Invitae Variant Classification Sherloc (09022015). Collection method: clinical testing. Allele origin: germline.
Comment: For these reasons, this variant has been classified as Pathogenic. Advanced modeling of protein sequence and biophysical properties (such as structural, functional, and spatial information, amino acid conservation, physicochemical variation, residue mobility, and thermodynamic stability) performed at Invitae indicates that this missense variant is expected to disrupt CDKL5 protein function. This missense change has been observed in individual(s) with clinical features of CDKL5-related conditions (Invitae). In at least one individual the variant was observed to be de novo. This variant is not present in population databases (gnomAD no frequency). This sequence change replaces glutamic acid, which is acidic and polar, with alanine, which is neutral and non-polar, at codon 139 of the CDKL5 protein (p.Glu139Ala).